The following is an entry in ClinVar:

ClinVar aggregate classification (germline): Benign. Review status: criteria provided, multiple submitters, no conflicts (2 of 4 stars). 6 submissions from 6 submitters: Benign (4). 2 of the submissions do not count toward it. Last evaluated 2026-04-27.

Conditions:
Retinitis pigmentosa (RP). Identifiers: Orphanet 791, MedGen C0035334, MeSH D012174, MONDO:0019200, OMIM 268000. Inheritance: Autosomal dominant, autosomal recessive and X linked inheritance.
EYS-related disorder. Also called: EYS-related condition.
Retinitis pigmentosa 25 (RP25). Identifiers: Orphanet 791, MedGen C1864446, MONDO:0011272, OMIM 602772.

Allele frequency attached by ClinVar (database versions not stated): 1000 Genomes Project 0.19149; 1000 Genomes Project 30x 0.19644; gnomAD 0.20531 and 0.20918; TOPMed 0.21086.

Submissions (6):

Women's Health and Genetics/Laboratory Corporation of America, LabCorp
Classification: Benign. Last evaluated: 2026-04-27. Review status: criteria provided, single submitter. Criteria: LabCorp Variant Classification Summary - May 2015. Collection method: clinical testing. Allele origin: germline.
Comment: Variant summary: EYS c.-500A>G is located in the untranslated mRNA region upstream of the initiation codon. The variant allele was found at a frequency of 0.21 in 31352 control chromosomes in the gnomAD database, including 748 homozygotes. The observed variant frequency exceeds the estimated maximal expected allele frequency for disease-causing variants in EYS. To our knowledge, no penetrant association of c.-500A>G in individuals affected with EYS-related conditions and no experimental evidence demonstrating its impact on protein function have been reported. ClinVar contains an entry for this variant (Variation ID: 357762). Based on the evidence outlined above, the variant was classified as benign.

Labcorp Genetics (formerly Invitae), Labcorp
Classification: Benign. Last evaluated: 2026-02-04. Review status: criteria provided, single submitter. Criteria: Invitae Variant Classification Sherloc (09022015). Collection method: clinical testing. Allele origin: germline.

Illumina Laboratory Services, Illumina
Classification: Benign for Retinitis pigmentosa. Last evaluated: 2018-01-12. Review status: criteria provided, single submitter. Criteria: ICSL Variant Classification Criteria 13 December 2019. Collection method: clinical testing. Allele origin: germline.
Comment: This variant was observed in the ICSL laboratory as part of a predisposition screen in an ostensibly healthy population. It had not been previously curated by ICSL or reported in the Human Gene Mutation Database (HGMD: prior to June 1st, 2018), and was therefore a candidate for classification through an automated scoring system. Utilizing variant allele frequency, disease prevalence and penetrance estimates, and inheritance mode, an automated score was calculated to assess if this variant is too frequent to cause the disease. Based on the score and internal cut-off values, a variant classified as benign is not then subjected to further curation. The score for this variant resulted in a classification of benign for this disease.

GeneDx
Classification: Benign. Last evaluated: 2015-03-03. Review status: criteria provided, single submitter. Criteria: GeneDx Variant Classification Process June 2021. Collection method: clinical testing. Allele origin: germline. Affected: yes.

PreventionGenetics, part of Exact Sciences
Classification: Benign for EYS-related condition. Last evaluated: 2024-08-30. Review status: no assertion criteria provided. Collection method: clinical testing. Allele origin: germline. Not counted in ClinVar's aggregate classification.
Comment: This variant is classified as benign based on ACMG/AMP sequence variant interpretation guidelines (Richards et al. 2015 PMID: 25741868, with internal and published modifications).

Natera, Inc.
Classification: Benign for Retinitis pigmentosa type 25. Last evaluated: 2019-08-29. Review status: no assertion criteria provided. Collection method: clinical testing. Allele origin: germline. Not counted in ClinVar's aggregate classification.

NM_001142800.2(EYS):c.-500A>G

Gene: EYS (EGF-like photoreceptor maintenance factor; minus strand). Cytogenetic location: 6q12.
Variant type: single nucleotide variant.
Coding change: c.-500A>G on transcript NM_001142800.2 (MANE Select); 500 bases upstream of the start codon, A replaced by G.
Molecular consequence: 5 prime UTR variant.
Genome position (GRCh38, 1-based): chr6:65,707,187, T>C on the plus strand (A>G on the coding strand, the complement: EYS is on the minus strand). VCF-style: chr6-65707187-T-C. GRCh37 (hg19) VCF-style: chr6-66417080-T-C.
Other names: c.-500A>G (NM_001142801.2, NM_001292009.2).
Identifiers: ClinVar variation 357762 (VCV000357762.19), dbSNP rs1490127, ClinGen allele CA10622605.